The following is an entry in ClinVar:

NM_000043.6(FAS):c.693dup (p.Tyr232fs)

Gene: FAS (Fas cell surface death receptor; plus strand). Cytogenetic location: 10q23.31.
Variant type: Duplication.
Coding change: c.693dup on transcript NM_000043.6 (MANE Select); coding-DNA position 693, one base duplicated (A; older notation c.693dupA).
Protein change: p.Tyr232fs; shifts the reading frame from tyrosine 232.
Molecular consequence: frameshift variant. On other transcripts: 3 prime UTR variant (2), non-coding transcript variant (7).
Genome position (GRCh38, 1-based): chr10:89,014,135, A duplicated; the last of 3 consecutive A bases (chr10:89,014,133-89,014,135); duplicating any one gives the same sequence. VCF-style (leftmost placement, unchanged base first): chr10-89014132-T-TA. GRCh37 (hg19) VCF-style: chr10-90773889-T-TA.
Other names: c.*16dup (NM_001320619.2); c.738dup, p.Tyr247fs (NM_001410956.1); c.630dup, p.Tyr211fs (NM_152871.4); c.*5dup (NM_152872.4); short protein forms Y211fs, Y232fs, Y247fs.
Identifiers: ClinVar variation 3024517 (VCV003024517.2), dbSNP rs2495222321, ClinGen allele CA2740093474.

ClinVar aggregate classification (germline): Likely pathogenic (1 of 4 stars; one submission).

Conditions:
Autoimmune lymphoproliferative syndrome type 1. Also called: AUTOIMMUNE LYMPHOPROLIFERATIVE SYNDROME, TYPE I, AUTOSOMAL DOMINANT. Identifiers: Orphanet 3261, MedGen C2717884, MONDO:0011158, OMIM 601859.

Submission:

Institute of Human Genetics, University of Leipzig Medical Center
Classification: Likely pathogenic for Autoimmune lymphoproliferative syndrome type 1. Last evaluated: 2024-02-15. Review status: criteria provided, single submitter. Criteria: ACMG Guidelines, 2015. Collection method: clinical testing. Allele origin: unknown. Inheritance: Autosomal dominant inheritance. Affected: yes.
Comment: Criteria applied: PVS1,PM2_SUP